The following is an entry in ClinVar:

NM_015570.4(AUTS2):c.793G>A (p.Gly265Arg)

Gene: AUTS2 (activator of transcription and developmental regulator AUTS2; plus strand). Cytogenetic location: 7q11.22.
Variant type: single nucleotide variant.
Coding change: c.793G>A on transcript NM_015570.4 (MANE Select); coding-DNA position 793, G replaced by A.
Protein change: p.Gly265Arg; replaces glycine 265 with arginine.
Molecular consequence: missense variant.
Genome position (GRCh38, 1-based): chr7:70,762,920, G>A. VCF-style: chr7-70762920-G-A. GRCh37 (hg19) VCF-style: chr7-70227906-G-A.
Other names: c.793G>A, p.Gly265Arg (NM_001127231.3); short protein forms G265R.
Identifiers: ClinVar variation 2574354 (VCV002574354.2), dbSNP rs1001820837, ClinGen allele CA367667194.
Genomic context (GRCh38, chr7:70,762,920, plus strand): 5'-TCCCATGCAGATCCGGAGTTAGGTGTTGGCACGCTACCAGAACATGACAGCCAGGATGCA[G>A]GGCCGATTGTCCCCAAGATATCGGGTCTAGAGAGAAGCCAGGAGAAGAGCCAGGACTGTT-3'
Protein context (NP_056385.1, residues 255-275): TLPEHDSQDA[Gly265Arg]PIVPKISGLE

ClinVar aggregate classification (germline): Uncertain significance (1 of 4 stars; one submission).

Submission:

GeneDx
Classification: Uncertain significance. Last evaluated: 2025-01-28. Review status: criteria provided, single submitter. Criteria: GeneDx Variant Classification Process June 2021. Collection method: clinical testing. Allele origin: germline. Affected: yes.
Comment: Not observed at significant frequency in large population cohorts (gnomAD); In silico analysis supports that this missense variant does not alter protein structure/function; Has not been previously published as pathogenic or benign to our knowledge